The following is an entry in ClinVar:

ClinVar aggregate classification (germline): Uncertain significance (1 of 4 stars; one submission).

Conditions:
Leber congenital amaurosis 8 (LCA8). Identifiers: Orphanet 65, MedGen C3151202, MONDO:0013453, OMIM 613835.
Retinitis pigmentosa 12 (RP12). Also called: RP WITH OR WITHOUT PPRPE; RP WITH OR WITHOUT PRESERVED PARAARTERIOLE RETINAL PIGMENT EPITHELIUM; RETINITIS PIGMENTOSA WITH OR WITHOUT PARAARTERIOLAR PRESERVATION OF RETINAL PIGMENT EPITHELIUM. Identifiers: Orphanet 791, MedGen C1838647, MONDO:0010818, OMIM 600105.

Allele frequency attached by ClinVar (database versions not stated): gnomAD exomes below 0.00001.
gnomAD v4.1: 1 of 1,612,214 alleles (0.000062%); highest among the groups gnomAD compares: Non-Finnish European, 0.000085%; no homozygotes.

Submission:

Labcorp Genetics (formerly Invitae), Labcorp
Classification: Uncertain significance for Leber congenital amaurosis 8; Retinitis pigmentosa 12. Last evaluated: 2022-02-01. Review status: criteria provided, single submitter. Criteria: Invitae Variant Classification Sherloc (09022015). Collection method: clinical testing. Allele origin: germline.
Comment: This sequence change replaces histidine, which is basic and polar, with arginine, which is basic and polar, at codon 126 of the CRB1 protein (p.His126Arg). This variant is not present in population databases (gnomAD no frequency). This variant has not been reported in the literature in individuals affected with CRB1-related conditions. ClinVar contains an entry for this variant (Variation ID: 1045201). Advanced modeling of protein sequence and biophysical properties (such as structural, functional, and spatial information, amino acid conservation, physicochemical variation, residue mobility, and thermodynamic stability) performed at Invitae indicates that this missense variant is not expected to disrupt CRB1 protein function. In summary, the available evidence is currently insufficient to determine the role of this variant in disease. Therefore, it has been classified as a Variant of Uncertain Significance.

NM_201253.3(CRB1):c.377A>G (p.His126Arg)

Gene: CRB1 (crumbs cell polarity complex component 1; plus strand). Cytogenetic location: 1q31.3.
Variant type: single nucleotide variant.
Coding change: c.377A>G on transcript NM_201253.3 (MANE Select); coding-DNA position 377, A replaced by G.
Protein change: p.His126Arg; replaces histidine 126 with arginine.
Molecular consequence: missense variant. On other transcripts: non-coding transcript variant (2).
Genome position (GRCh38, 1-based): chr1:197,328,728, A>G. VCF-style: chr1-197328728-A-G. GRCh37 (hg19) VCF-style: chr1-197297858-A-G.
Other names: c.377A>G, p.His126Arg (NM_001193640.2, NM_001257966.2); c.170A>G, p.His57Arg (NM_001257965.2); short protein forms H126R, H57R.
Identifiers: ClinVar variation 1045201 (VCV001045201.6), dbSNP rs1300735825, ClinGen allele CA344085636.